The following is an entry in ClinVar:

NM_000051.4(ATM):c.1425A>C (p.Ser475=)

Gene: ATM (ATM serine/threonine kinase; plus strand). Cytogenetic location: 11q22.3.
Variant type: single nucleotide variant.
Coding change: c.1425A>C on transcript NM_000051.4 (MANE Select); coding-DNA position 1425, A replaced by C.
Protein change: p.Ser475=; no amino-acid change (serine 475 retained).
Molecular consequence: synonymous variant.
Genome position (GRCh38, 1-based): chr11:108,250,890, A>C. VCF-style: chr11-108250890-A-C. GRCh37 (hg19) VCF-style: chr11-108121617-A-C.
Other names: c.1425A>C, p.Ser475= (NM_001351834.2).
Identifiers: ClinVar variation 3239146 (VCV003239146.20), dbSNP rs2080105606.

ClinVar aggregate classification (germline): Benign/Likely benign. Review status: criteria provided, multiple submitters, no conflicts (2 of 4 stars). 2 submissions from 2 submitters: Benign (1); Likely benign (1). Last evaluated 2024-05-01.

Conditions:
Familial cancer of breast. Also called: BREAST CANCER, FAMILIAL; Hereditary breast cancer; hereditary breast carcinoma. Identifiers: Orphanet 227535, MedGen C0346153, MONDO:0016419, OMIM 114480. Disease mechanism: loss of function.

Submissions (2):

CeGaT Center for Human Genetics Tuebingen
Classification: Likely benign. Last evaluated: 2024-05-01. Review status: criteria provided, single submitter. Criteria: CeGaT Center For Human Genetics Tuebingen Variant Classification Criteria Version 2. Collection method: clinical testing. Allele origin: germline. Affected: yes. Observed: 1 variant allele.
Comment: ATM: PM2:Supporting, BP4, BP7

Myriad Genetics, Inc.
Classification: Benign for Familial cancer of breast. Last evaluated: 2024-04-29. Review status: criteria provided, single submitter. Criteria: Myriad Autosomal Dominant, Autosomal Recessive and X-Linked Classification Criteria (2023). Collection method: clinical testing. Allele origin: unknown.
Comment: This variant is considered benign. This variant is a silent/synonymous amino acid change and it is not expected to impact splicing.